The following is an entry in ClinVar:

ClinVar aggregate classification (germline): Benign/Likely benign. Review status: criteria provided, multiple submitters, no conflicts (2 of 4 stars). 3 submissions from 3 submitters: Benign (1); Likely benign (2). Last evaluated 2025-12-24.

Conditions:
TWIST1-related craniosynostosis (CRS1). Also called: CRANIOSYNOSTOSIS 1. Identifiers: Orphanet 63440, MedGen C4551902, MONDO:0007399, OMIM 123100. Inheritance: Heterogenous inheritance pattern.
Saethre-Chotzen syndrome (SCS). Also called: ACROCEPHALY, SKULL ASYMMETRY, AND MILD SYNDACTYLY; ACS III; CHOTZEN SYNDROME. Identifiers: Orphanet 794, MedGen C0175699, MONDO:0007042, OMIM 101400.

Allele frequency attached by ClinVar (database versions not stated): 1000 Genomes Project 30x 0.00031; TOPMed 0.00048; gnomAD 0.00049; ESP Exome Variant Server 0.00069; ExAC 0.00100.
gnomAD v4.1: 1,327 of 1,613,628 alleles (0.082%); highest among the groups gnomAD compares: Non-Finnish European, 0.1%; no homozygotes.

Submissions (3):

Labcorp Genetics (formerly Invitae), Labcorp
Classification: Benign for TWIST1-related craniosynostosis; Saethre-Chotzen syndrome. Last evaluated: 2025-12-24. Review status: criteria provided, single submitter. Criteria: Invitae Variant Classification Sherloc (09022015). Collection method: clinical testing. Allele origin: germline.

Blueprint Genetics
Classification: Likely benign. Last evaluated: 2024-10-29. Review status: criteria provided, single submitter. Criteria: ACMG Guidelines, 2015. Collection method: clinical testing. Allele origin: germline.

CeGaT Center for Human Genetics Tuebingen
Classification: Likely benign. Last evaluated: 2023-06-01. Review status: criteria provided, single submitter. Criteria: CeGaT Center For Human Genetics Tuebingen Variant Classification Criteria Version 2. Collection method: clinical testing. Allele origin: germline. Affected: yes. Observed: 2 variant alleles.
Comment: TWIST1: BP4, BP7

NM_000474.4(TWIST1):c.369G>C (p.Ser123=)

Gene: TWIST1 (twist family bHLH transcription factor 1; minus strand). Cytogenetic location: 7p21.1.
Variant type: single nucleotide variant.
Coding change: c.369G>C on transcript NM_000474.4 (MANE Select); coding-DNA position 369, G replaced by C.
Protein change: p.Ser123=; no amino-acid change (serine 123 retained).
Molecular consequence: synonymous variant. On other transcripts: non-coding transcript variant (1).
Genome position (GRCh38, 1-based): chr7:19,116,953, C>G on the plus strand (G>C on the coding strand, the complement: TWIST1 is on the minus strand). VCF-style: chr7-19116953-C-G. GRCh37 (hg19) VCF-style: chr7-19156576-C-G.
Identifiers: ClinVar variation 706926 (VCV000706926.33), dbSNP rs144664279, ClinGen allele CA4174497.